The following is an entry in ClinVar:

ClinVar aggregate classification (germline): Uncertain significance. Review status: criteria provided, multiple submitters, no conflicts (2 of 4 stars). 2 submissions from 2 submitters: Uncertain significance (2). Last evaluated 2025-03-08.

Conditions:
Inborn genetic diseases. Identifiers: MedGen C0950123, MeSH D030342.

Allele frequency attached by ClinVar (database versions not stated): gnomAD 0.00004; TOPMed 0.00004; gnomAD exomes 0.00009 and 0.00011; ExAC 0.00017.
gnomAD v4.1: 149 of 1,613,426 alleles (0.0092%); highest among the groups gnomAD compares: South Asian, 0.043%; no homozygotes.

Submissions (2):

Ambry Genetics
Classification: Uncertain significance for Inborn genetic diseases. Last evaluated: 2025-03-08. Review status: criteria provided, single submitter. Criteria: Ambry Variant Classification Scheme 2023. Collection method: clinical testing. Allele origin: germline.

Labcorp Genetics (formerly Invitae), Labcorp
Classification: Uncertain significance. Last evaluated: 2023-06-09. Review status: criteria provided, single submitter. Criteria: Invitae Variant Classification Sherloc (09022015). Collection method: clinical testing. Allele origin: germline.
Comment: This sequence change replaces arginine, which is basic and polar, with tryptophan, which is neutral and slightly polar, at codon 793 of the UNC45A protein (p.Arg793Trp). In summary, the available evidence is currently insufficient to determine the role of this variant in disease. Therefore, it has been classified as a Variant of Uncertain Significance. Advanced modeling of protein sequence and biophysical properties (such as structural, functional, and spatial information, amino acid conservation, physicochemical variation, residue mobility, and thermodynamic stability) performed at Invitae indicates that this missense variant is expected to disrupt UNC45A protein function. ClinVar contains an entry for this variant (Variation ID: 1444907). This variant has not been reported in the literature in individuals affected with UNC45A-related conditions. This variant is present in population databases (rs771331941, gnomAD 0.06%).

NM_018671.5(UNC45A):c.2377C>T (p.Arg793Trp)

Genes: RCCD1-AS1 (RCCD1 and UNC45A antisense RNA 1; minus strand), UNC45A (unc-45 myosin chaperone A; plus strand). Cytogenetic location: 15q26.1.
Variant type: single nucleotide variant.
Coding change: c.2377C>T on transcript NM_018671.5 (MANE Select); coding-DNA position 2377, C replaced by T.
Protein change: p.Arg793Trp; replaces arginine 793 with tryptophan.
Molecular consequence: missense variant. On other transcripts: non-coding transcript variant (1).
Genome position (GRCh38, 1-based): chr15:90,953,002, C>T. VCF-style: chr15-90953002-C-T. GRCh37 (hg19) VCF-style: chr15-91496232-C-T.
Other names: c.2332C>T, p.Arg778Trp (NM_001039675.2, NM_001323621.2); c.2377C>T, p.Arg793Trp (NM_001323619.1); c.1942C>T, p.Arg648Trp (NM_001323620.2); c.2377C>T (NM_018671.3); short protein forms R648W, R778W, R793W.
Identifiers: ClinVar variation 1444907 (VCV001444907.7), dbSNP rs771331941, ClinGen allele CA7743280.